The following is an entry in ClinVar:

NM_001012339.3(DNAJC21):c.1245A>G (p.Glu415=)

Gene: DNAJC21 (DnaJ heat shock protein family (Hsp40) member C21; plus strand). Cytogenetic location: 5p13.2.
Variant type: single nucleotide variant.
Coding change: c.1245A>G on transcript NM_001012339.3 (MANE Select); coding-DNA position 1245, A replaced by G.
Protein change: p.Glu415=; no amino-acid change (glutamic acid 415 retained).
Molecular consequence: synonymous variant.
Genome position (GRCh38, 1-based): chr5:34,950,229, A>G. VCF-style: chr5-34950229-A-G. GRCh37 (hg19) VCF-style: chr5-34950334-A-G.
Other names: p.Glu415=; c.1284A>G, p.Glu428= (NM_001348420.2); c.1380A>G, p.Glu460= (NM_194283.4).
Identifiers: ClinVar variation 728860 (VCV000728860.12), dbSNP rs143510769, ClinGen allele CA3228806.

ClinVar aggregate classification (germline): Benign/Likely benign. Review status: criteria provided, multiple submitters, no conflicts (2 of 4 stars). 4 submissions from 4 submitters: Benign (2); Likely benign (2). Last evaluated 2025-12-15.

Allele frequency attached by ClinVar (database versions not stated): gnomAD exomes 0.00012 and 0.00034; ExAC 0.00039; ESP Exome Variant Server 0.00115; TOPMed 0.00122; gnomAD 0.00127 and 0.00133; 1000 Genomes Project 0.00180; 1000 Genomes Project 30x 0.00203.
gnomAD v4.1: 379 of 1,613,882 alleles (0.023%); highest among the groups gnomAD compares: African/African-American, 0.41%; no homozygotes.

Submissions (4):

Labcorp Genetics (formerly Invitae), Labcorp
Classification: Benign. Last evaluated: 2025-12-15. Review status: criteria provided, single submitter. Criteria: Invitae Variant Classification Sherloc (09022015). Collection method: clinical testing. Allele origin: germline.

Blueprint Genetics
Classification: Likely benign. Last evaluated: 2024-11-13. Review status: criteria provided, single submitter. Criteria: ACMG Guidelines, 2015. Collection method: clinical testing. Allele origin: germline.

Mayo Clinic Laboratories, Mayo Clinic
Classification: Likely benign. Last evaluated: 2024-08-15. Review status: criteria provided, single submitter. Criteria: ACMG Guidelines, 2015. Collection method: clinical testing. Allele origin: germline. Observed: 2 variant alleles.
Comment: BS1, BP4, BP7

Breakthrough Genomics
Classification: Benign. Review status: criteria provided, single submitter. Criteria: ACMG Guidelines, 2015. Collection method: not provided. Allele origin: germline. Inheritance: Autosomal recessive inheritance. Affected: yes.